The following is an entry in ClinVar:

ClinVar aggregate classification (germline): Uncertain significance (1 of 4 stars; one submission).

Conditions:
Hermansky-Pudlak syndrome 9 (HPS9). Identifiers: Orphanet 280663, Orphanet 79430, MedGen C3280026, MONDO:0013606, OMIM 614171.

Allele frequency attached by ClinVar (database versions not stated): gnomAD exomes below 0.00001.

Submission:

Labcorp Genetics (formerly Invitae), Labcorp
Classification: Uncertain significance for Hermansky-Pudlak syndrome 9. Last evaluated: 2021-07-22. Review status: criteria provided, single submitter. Criteria: Invitae Variant Classification Sherloc (09022015). Collection method: clinical testing. Allele origin: germline.
Comment: This sequence change falls in intron 2 of the BLOC1S6 gene. It does not directly change the encoded amino acid sequence of the BLOC1S6 protein. This variant is not present in population databases (ExAC no frequency). This variant has not been reported in the literature in individuals affected with BLOC1S6-related conditions. Algorithms developed to predict the effect of sequence changes on RNA splicing suggest that this variant may create or strengthen a splice site. In summary, the available evidence is currently insufficient to determine the role of this variant in disease. Therefore, it has been classified as a Variant of Uncertain Significance.

NM_012388.4(BLOC1S6):c.225-14_225-13insA

Gene: BLOC1S6 (biogenesis of lysosomal organelles complex 1 subunit 6; plus strand). Cytogenetic location: 15q21.1.
Variant type: Insertion.
Coding change: c.225-14_225-13insA on transcript NM_012388.4 (MANE Select); 14 bases into the intron before coding-DNA position 225 through 13 bases into the intron before coding-DNA position 225, A inserted.
Molecular consequence: intron variant.
Genome position: GRCh38 VCF-style: chr15-45603086-T-TA. GRCh37 (hg19) VCF-style: chr15-45895284-T-TA.
Other names: c.240-14_240-13insA (NM_001311255.1); c.240-2342_240-2341insA (NM_001311256.1).
Identifiers: ClinVar variation 1448427 (VCV001448427.3), dbSNP rs1894325968, ClinGen allele CA2174160757.